The following is an entry in ClinVar:

ClinVar aggregate classification (germline): Uncertain significance (1 of 4 stars; one submission).

Conditions:
Multiple endocrine neoplasia, type 2 (MEN2). Identifiers: Orphanet 653, MedGen C4048306, MONDO:0019003. Disease mechanism: gain of function.

Submission:

Labcorp Genetics (formerly Invitae), Labcorp
Classification: Uncertain significance for Multiple endocrine neoplasia, type 2. Last evaluated: 2022-02-21. Review status: criteria provided, single submitter. Criteria: Invitae Variant Classification Sherloc (09022015). Collection method: clinical testing. Allele origin: germline.
Comment: In summary, the available evidence is currently insufficient to determine the role of this variant in disease. Therefore, it has been classified as a Variant of Uncertain Significance. Algorithms developed to predict the effect of missense changes on protein structure and function are either unavailable or do not agree on the potential impact of this missense change (SIFT: "Deleterious"; PolyPhen-2: "Probably Damaging"; Align-GVGD: "Class C0"). This variant has not been reported in the literature in individuals affected with RET-related conditions. This variant is not present in population databases (gnomAD no frequency). This sequence change replaces glutamine, which is neutral and polar, with histidine, which is basic and polar, at codon 703 of the RET protein (p.Gln703His).

NM_020975.6(RET):c.2109G>C (p.Gln703His)

Gene: RET (ret proto-oncogene; plus strand). Cytogenetic location: 10q11.21.
Variant type: single nucleotide variant.
Coding change: c.2109G>C on transcript NM_020975.6 (MANE Select); coding-DNA position 2109, G replaced by C.
Protein change: p.Gln703His; replaces glutamine 703 with histidine.
Molecular consequence: missense variant.
Genome position (GRCh38, 1-based): chr10:43,114,709, G>C. VCF-style: chr10-43114709-G-C. GRCh37 (hg19) VCF-style: chr10-43610157-G-C.
Other names: c.2109G>C, p.Gln703His (NM_000323.2, NM_001406743.1, NM_001406744.1 and 4 more transcripts); c.1347G>C, p.Gln449His (NM_001355216.2); c.1980G>C, p.Gln660His (NM_001406761.1, NM_001406762.1, NM_001406764.1); c.1974G>C, p.Gln658His (NM_001406763.1, NM_001406765.1); c.1821G>C, p.Gln607His (NM_001406766.1, NM_001406767.1, NM_001406770.1); c.1845G>C, p.Gln615His (NM_001406768.1); c.1713G>C, p.Gln571His (NM_001406769.1, NM_001406772.1); c.1671G>C, p.Gln557His (NM_001406771.1, NM_001406773.1); and 10 more; short protein forms Q220H, Q308H, Q404H, Q461H, Q615H, Q703H, Q658H, Q268H.
Identifiers: ClinVar variation 1986555 (VCV001986555.4), dbSNP rs2132854858, ClinGen allele CA376553332.